The following is an entry in ClinVar:

ClinVar aggregate classification (germline): Uncertain significance. Review status: criteria provided, multiple submitters, no conflicts (2 of 4 stars). 2 submissions from 2 submitters: Uncertain significance (2). Last evaluated 2023-03-03.

Conditions:
Cardiovascular phenotype. Identifiers: MedGen CN230736.
Catecholaminergic polymorphic ventricular tachycardia 1. Also called: VENTRICULAR TACHYCARDIA, CATECHOLAMINERGIC POLYMORPHIC, 1, WITH OR WITHOUT ATRIAL DYSFUNCTION AND/OR DILATED CARDIOMYOPATHY; VENTRICULAR TACHYCARDIA, STRESS-INDUCED POLYMORPHIC 1; RYR2-Related Catecholaminergic Polymorphic Ventricular Tachycardia. Identifiers: Orphanet 3286, MedGen C1631597, MONDO:0011484, OMIM 604772.

Allele frequency attached by ClinVar (database versions not stated): gnomAD exomes below 0.00001; TOPMed 0.00001.
gnomAD v4.1: 1 of 1,553,244 alleles (0.000064%); highest among the groups gnomAD compares: African/African-American, 0.0014%; no homozygotes.

Submissions (2):

Ambry Genetics
Classification: Uncertain significance for Cardiovascular phenotype. Last evaluated: 2023-03-03. Review status: criteria provided, single submitter. Criteria: Ambry Variant Classification Scheme 2023. Collection method: clinical testing. Allele origin: germline.
Comment: The p.E204G variant (also known as c.611A>G) is located in coding exon 8 of the TRDN gene. The glutamic acid at codon 204 is replaced by glycine, an amino acid with similar properties. This change occurs in the first base pair of coding exon 8. This amino acid position is highly conserved in available vertebrate species. In addition, this alteration is predicted to be tolerated by in silico analysis. Since supporting evidence is limited at this time, the clinical significance of this alteration remains unclear.

Labcorp Genetics (formerly Invitae), Labcorp
Classification: Uncertain significance for Catecholaminergic polymorphic ventricular tachycardia 1. Last evaluated: 2022-01-04. Review status: criteria provided, single submitter. Criteria: Invitae Variant Classification Sherloc (09022015). Collection method: clinical testing. Allele origin: germline.
Comment: This sequence change replaces glutamic acid, which is acidic and polar, with glycine, which is neutral and non-polar, at codon 204 of the TRDN protein (p.Glu204Gly). This variant is not present in population databases (gnomAD no frequency). This variant has not been reported in the literature in individuals affected with TRDN-related conditions. Algorithms developed to predict the effect of missense changes on protein structure and function are either unavailable or do not agree on the potential impact of this missense change (SIFT: "Deleterious"; PolyPhen-2: "Not Available"; Align-GVGD: "Class C0"). In summary, the available evidence is currently insufficient to determine the role of this variant in disease. Therefore, it has been classified as a Variant of Uncertain Significance.

NM_006073.4(TRDN):c.611A>G (p.Glu204Gly)

Gene: TRDN (triadin; minus strand). Cytogenetic location: 6q22.31.
Variant type: single nucleotide variant.
Coding change: c.611A>G on transcript NM_006073.4 (MANE Select); coding-DNA position 611, A replaced by G.
Protein change: p.Glu204Gly; replaces glutamic acid 204 with glycine.
Molecular consequence: missense variant.
Genome position (GRCh38, 1-based): chr6:123,503,901, T>C on the plus strand (A>G on the coding strand, the complement: TRDN is on the minus strand). VCF-style: chr6-123503901-T-C. GRCh37 (hg19) VCF-style: chr6-123825046-T-C.
Other names: c.611A>G, p.Glu204Gly (NM_001251987.2, NM_001256020.2, NM_001256021.2 and 1 more transcripts); short protein forms E204G.
Identifiers: ClinVar variation 1751706 (VCV001751706.5), dbSNP rs1778806177, ClinGen allele CA365567949.